The following is an entry in ClinVar:

ClinVar aggregate classification (germline): Likely pathogenic. Review status: criteria provided, multiple submitters, no conflicts (2 of 4 stars). 3 submissions from 3 submitters: Likely pathogenic (2). 1 of the submissions does not count toward it. Last evaluated 2024-05-28.

Conditions:
Cystic fibrosis (CF). Also called: MUCOVISCIDOSIS. Identifiers: Orphanet 586, MedGen C0010674, MONDO:0009061, OMIM 219700. Disease mechanism: loss of function.

Allele frequency attached by ClinVar (database versions not stated): TOPMed 0.00001.

Submissions (3):

Women's Health and Genetics/Laboratory Corporation of America, LabCorp
Classification: Likely pathogenic for Cystic fibrosis. Last evaluated: 2024-05-28. Review status: criteria provided, single submitter. Criteria: LabCorp Variant Classification Summary - May 2015. Collection method: clinical testing. Allele origin: germline.
Comment: Variant summary: CFTR c.164+2T>A is located in a canonical splice-site and is predicted to affect mRNA splicing resulting in a significantly altered protein due to either exon skipping, shortening, or inclusion of intronic material. Several computational tools predict a significant impact on normal splicing: Four predict the variant abolishes a 5' splicing donor site. However, these predictions have yet to be confirmed by functional studies. The variant was absent in 249608 control chromosomes. c.164+2T>A has been reported in the literature in individuals affected with Cystic Fibrosis, including at least two compound heterozygous individuals who carried a pathogenic variant in trans (example, Alper_2004, Wong_2004). These data indicate that the variant is likely associated with disease. To our knowledge, no experimental evidence demonstrating an impact on protein function has been reported. The following publications have been ascertained in the context of this evaluation (PMID: 15365999, 15300780). ClinVar contains an entry for this variant (Variation ID: 156327). Based on the evidence outlined above, the variant was classified as likely pathogenic.

Ambry Genetics
Classification: Likely pathogenic for Cystic fibrosis. Last evaluated: 2018-11-01. Review status: criteria provided, single submitter. Criteria: Ambry Variant Classification Scheme 2023. Collection method: clinical testing. Allele origin: germline.
Comment: The c.164+2T>A intronic variant results from a T to A substitution two nucleotides after coding exon 2 in the CFTR gene. This variant was identified in two siblings with cystic fibrosis in conjunction with p.F508del; however, phase was not confirmed (Alper OM et al. Hum. Mutat., 2004 Oct;24:353). This nucleotide position is highly conserved in available vertebrate species. Using the BDGP and ESEfinder splice site prediction tools, this alteration is predicted to abolish the native splice donor site; however, direct evidence is unavailable. In addition to the clinical data presented in the literature, alterations that disrupt the canonical splice site are expected to cause aberrant splicing, resulting in an abnormal protein or a transcript that is subject to nonsense-mediated mRNA decay. As such, this alteration is classified as likely pathogenic.

ClinVar Staff, National Center for Biotechnology Information (NCBI)
No classification provided. Review status: no classification provided. Collection method: not provided. Allele origin: not provided. Not counted in ClinVar's aggregate classification.

Literature cited by the submitters: PubMed 15365999 (cited by Women's Health and Genetics/Laboratory Corporation of America, LabCorp and Ambry Genetics); PubMed 15300780 (cited by Women's Health and Genetics/Laboratory Corporation of America, LabCorp).

NM_000492.4(CFTR):c.164+2T>A

Gene: CFTR (CF transmembrane conductance regulator; plus strand). Cytogenetic location: 7q31.2.
Variant type: single nucleotide variant.
Coding change: c.164+2T>A on transcript NM_000492.4 (MANE Select); the canonical splice donor site of the intron after coding-DNA position 164, T replaced by A.
Molecular consequence: splice donor variant.
Genome position (GRCh38, 1-based): chr7:117,504,365, T>A. VCF-style: chr7-117504365-T-A. GRCh37 (hg19) VCF-style: chr7-117144419-T-A.
Other names: 296+12T>A.
Identifiers: ClinVar variation 156327 (VCV000156327.4), dbSNP rs121908800, ClinGen allele CA270746.
Genomic context (GRCh38, chr7:117,504,365, plus strand): 5'-GACATATACCAAATCCCTTCTGTTGATTCTGCTGACAATCTATCTGAAAAATTGGAAAGG[T>A]ATGTTCATGTACATTGTTTAGTTGAAGAGAGAAATTCATATTATTAATTATTTAGAGAAG-3'